The following is an entry in ClinVar:

ClinVar aggregate classification (germline): Uncertain significance (1 of 4 stars; one submission).

Allele frequency attached by ClinVar (database versions not stated): TOPMed 0.00003; ExAC 0.00001; gnomAD 0.00003; gnomAD exomes below 0.00001.

Submission:

GeneDx
Classification: Uncertain significance. Last evaluated: 2019-11-11. Review status: criteria provided, single submitter. Criteria: GeneDx Variant Classification Process June 2021. Collection method: clinical testing. Allele origin: germline. Affected: yes.
Comment: Not observed at a significant frequency in large population cohorts (Lek et al., 2016); In silico analysis, which includes protein predictors and evolutionary conservation, supports that this variant does not alter protein structure/function; Has not been previously published as pathogenic or benign to our knowledge

NM_020919.4(ALS2):c.2423T>G (p.Phe808Cys)

Gene: ALS2 (alsin Rho guanine nucleotide exchange factor ALS2; minus strand). Cytogenetic location: 2q33.1.
Variant type: single nucleotide variant.
Coding change: c.2423T>G on transcript NM_020919.4 (MANE Select); coding-DNA position 2423, T replaced by G.
Protein change: p.Phe808Cys; replaces phenylalanine 808 with cysteine.
Molecular consequence: missense variant.
Genome position (GRCh38, 1-based): chr2:201,733,433, A>C on the plus strand (T>G on the coding strand, the complement: ALS2 is on the minus strand). VCF-style: chr2-201733433-A-C. GRCh37 (hg19) VCF-style: chr2-202598156-A-C.
Other names: short protein forms F808C.
Identifiers: ClinVar variation 1309621 (VCV001309621.2), dbSNP rs745757311, ClinGen allele CA2058181.